The following is an entry in ClinVar:

NC_000002.11:g.(?_50692570)_(50850763_?)del

Gene: NRXN1 (neurexin 1; minus strand). Cytogenetic location: 2p16.3.
Variant type: Deletion.
Identifiers: ClinVar variation 1007132 (VCV001007132.1).

ClinVar aggregate classification (germline): Uncertain significance (1 of 4 stars; one submission).

Conditions:
Pitt-Hopkins-like syndrome 2 (PTHSL2). Identifiers: Orphanet 221150, Orphanet 600663, MedGen C3280479, MONDO:0013690, OMIM 614325.

Submission:

Labcorp Genetics (formerly Invitae), Labcorp
Classification: Uncertain significance for Pitt-Hopkins-like syndrome 2. Last evaluated: 2020-10-08. Review status: criteria provided, single submitter. Criteria: Invitae Variant Classification Sherloc (09022015). Collection method: clinical testing. Allele origin: germline.
Comment: This variant is an in-frame deletion of the genomic region encompassing exon(s) 7-18 of the NRXN1 gene. It preserves the integrity of the reading frame. A similar deletion of exons 7-18 has been reported to be de novo in an individual affected with autism spectrum disorder (PMID: 26325558). Experimental studies and prediction algorithms are not available or were not evaluated, and the functional significance of this variant is currently unknown. In summary, the available evidence is currently insufficient to determine the role of this variant in disease. Therefore, it has been classified as a Variant of Uncertain Significance.

Literature cited by the submitters: PubMed 26325558.